The following is an entry in ClinVar:

NM_032436.4(CHAMP1):c.412G>C (p.Gly138Arg)

Gene: CHAMP1 (chromosome alignment maintaining phosphoprotein 1; plus strand). Cytogenetic location: 13q34.
Variant type: single nucleotide variant.
Coding change: c.412G>C on transcript NM_032436.4 (MANE Select); coding-DNA position 412, G replaced by C.
Protein change: p.Gly138Arg; replaces glycine 138 with arginine.
Molecular consequence: missense variant.
Genome position (GRCh38, 1-based): chr13:114,324,254, G>C. VCF-style: chr13-114324254-G-C. GRCh37 (hg19) VCF-style: chr13-115089729-G-C.
Other names: c.412G>C, p.Gly138Arg (NM_001164144.3, NM_001164145.3); short protein forms G138R.
Identifiers: ClinVar variation 3025830 (VCV003025830.22), dbSNP rs781891460, ClinGen allele CA7070618.

ClinVar aggregate classification (germline): Likely benign (1 of 4 stars; one submission).

Allele frequency attached by ClinVar (database versions not stated): ExAC 0.00001; gnomAD 0.00001; TOPMed 0.00002.
gnomAD v4.1: 10 of 1,614,090 alleles (0.00062%); highest among the groups gnomAD compares: East Asian, 0.0022%; no homozygotes.

Submission:

CeGaT Center for Human Genetics Tuebingen
Classification: Likely benign. Last evaluated: 2024-01-01. Review status: criteria provided, single submitter. Criteria: CeGaT Center For Human Genetics Tuebingen Variant Classification Criteria Version 2. Collection method: clinical testing. Allele origin: germline. Affected: yes. Observed: 1 variant allele.
Comment: CHAMP1: BP1, BP4